The following is an entry in ClinVar:

ClinVar aggregate classification (germline): Uncertain significance. Review status: criteria provided, multiple submitters, no conflicts (2 of 4 stars). 2 submissions from 2 submitters: Uncertain significance (2). Last evaluated 2026-03-10.

Conditions:
Cardiovascular phenotype. Identifiers: MedGen CN230736.

gnomAD v4.1: 1 of 1,614,102 alleles (0.000062%); highest among the groups gnomAD compares: Non-Finnish European, 0.000085%; no homozygotes.

Submissions (2):

Ambry Genetics
Classification: Uncertain significance for Cardiovascular phenotype. Last evaluated: 2026-03-10. Review status: criteria provided, single submitter. Criteria: Ambry Variant Classification Scheme 2023. Collection method: clinical testing. Allele origin: germline.

GeneDx
Classification: Uncertain significance. Last evaluated: 2025-04-15. Review status: criteria provided, single submitter. Criteria: GeneDx Variant Classification Process June 2021. Collection method: clinical testing. Allele origin: germline. Affected: yes.
Comment: Not observed at significant frequency in large population cohorts (gnomAD); In silico analysis supports that this missense variant has a deleterious effect on protein structure/function; Has not been previously published as pathogenic or benign to our knowledge

NM_000384.3(APOB):c.9173T>G (p.Val3058Gly)

Gene: APOB (apolipoprotein B; minus strand). Cytogenetic location: 2p24.1.
Variant type: single nucleotide variant.
Coding change: c.9173T>G on transcript NM_000384.3 (MANE Select); coding-DNA position 9173, T replaced by G.
Protein change: p.Val3058Gly; replaces valine 3058 with glycine.
Molecular consequence: missense variant.
Genome position (GRCh38, 1-based): chr2:21,007,695, A>C on the plus strand (T>G on the coding strand, the complement: APOB is on the minus strand). VCF-style: chr2-21007695-A-C. GRCh37 (hg19) VCF-style: chr2-21230567-A-C.
Other names: short protein forms V3058G.
Identifiers: ClinVar variation 2446990 (VCV002446990.4), dbSNP rs1663184428, ClinGen allele CA345990885.